The following is an entry in ClinVar:

NM_003247.5(THBS2):c.3266C>T (p.Pro1089Leu)

Genes: THBS2 (thrombospondin 2; minus strand), THBS2-AS1 (THBS2 antisense RNA 1; plus strand). Cytogenetic location: 6q27.
Variant type: single nucleotide variant.
Coding change: c.3266C>T on transcript NM_003247.5 (MANE Select); coding-DNA position 3266, C replaced by T.
Protein change: p.Pro1089Leu; replaces proline 1089 with leucine.
Molecular consequence: missense variant. On other transcripts: non-coding transcript variant (2).
Genome position (GRCh38, 1-based): chr6:169,222,204, G>A on the plus strand (C>T on the coding strand, the complement: THBS2 is on the minus strand). VCF-style: chr6-169222204-G-A. GRCh37 (hg19) VCF-style: chr6-169622299-G-A.
Other names: c.3092C>T, p.Pro1031Leu (NM_001381939.1); c.3035C>T, p.Pro1012Leu (NM_001381942.1); short protein forms P1012L, P1031L, P1089L.
Identifiers: ClinVar variation 3034072 (VCV003034072.2), dbSNP rs139254686, ClinGen allele CA4102740.

ClinVar aggregate classification (germline): Benign (0 of 4 stars; one submission).

Conditions:
THBS2-related disorder. Also called: THBS2-related condition.

Allele frequency attached by ClinVar (database versions not stated): TOPMed 0.00051; 1000 Genomes Project 30x 0.00062; ESP Exome Variant Server 0.00062; 1000 Genomes Project 0.00080; gnomAD 0.00137; ExAC 0.00143.
gnomAD v4.1: 1,316 of 1,604,894 alleles (0.082%); highest among the groups gnomAD compares: Middle Eastern, 0.18%; 3 homozygotes.

Submission:

PreventionGenetics, part of Exact Sciences
Classification: Benign for THBS2-related condition. Last evaluated: 2020-01-21. Review status: no assertion criteria provided. Collection method: clinical testing. Allele origin: germline.
Comment: This variant is classified as benign based on ACMG/AMP sequence variant interpretation guidelines (Richards et al. 2015 PMID: 25741868, with internal and published modifications).